The following is an entry in ClinVar:

NM_001042492.3(NF1):c.17C>T (p.Pro6Leu)

Genes: MIR4733HG (MIR4733 host gene; minus strand), NF1 (neurofibromin 1; plus strand), LOC111811965 (NF1 (neurofibromin 1) promoter region; plus strand). Cytogenetic location: 17q11.2.
Variant type: single nucleotide variant.
Coding change: c.17C>T on transcript NM_001042492.3 (MANE Select); coding-DNA position 17, C replaced by T.
Protein change: p.Pro6Leu; replaces proline 6 with leucine.
Molecular consequence: missense variant. On other transcripts: non-coding transcript variant (1).
Genome position (GRCh38, 1-based): chr17:31,095,326, C>T. VCF-style: chr17-31095326-C-T. GRCh37 (hg19) VCF-style: chr17-29422344-C-T.
Other names: c.17C>T, p.Pro6Leu (NM_000267.4, NM_001128147.3); short protein forms P6L.
Identifiers: ClinVar variation 219691 (VCV000219691.14), dbSNP rs864622210, ClinGen allele CA350124.
Genomic context (GRCh38, chr17:31,095,326, plus strand): 5'-CCGGCCCACCCTTCCCTCCGCCGCCCCCCGGCCGCGGGGAGGACATGGCCGCGCACAGGC[C>T]GGTGGAATGGGTCCAGGCCGTGGTCAGCCGCTTCGACGAGCAGGTAACCGGCCCGTGGCG-3'
Protein context (NP_001035957.1, residues 1-16): MAAHR[Pro6Leu]VEWVQAVVSR

ClinVar aggregate classification (germline): Conflicting classifications of pathogenicity. Review status: criteria provided, conflicting classifications (1 of 4 stars). 4 submissions from 4 submitters: Uncertain significance (3); Likely benign (1). Last evaluated 2025-10-09.

Conditions:
Hereditary cancer-predisposing syndrome. Also called: Tumor predisposition; Hereditary neoplastic syndrome; Neoplastic Syndromes, Hereditary; Hereditary Cancer Syndrome. Identifiers: Orphanet 140162, MedGen C0027672, MeSH D009386, MONDO:0015356.
Cardiovascular phenotype. Identifiers: MedGen CN230736.
Neurofibromatosis-Noonan syndrome (NFNS). Also called: NEUROFIBROMATOSIS WITH NOONAN PHENOTYPE. Identifiers: Orphanet 638, MedGen C2931482, MONDO:0011035, OMIM 601321. Disease mechanism: loss of function.
Café-au-lait macules with pulmonary stenosis (WTSN). Also called: PULMONIC STENOSIS WITH CAFE-AU-LAIT SPOTS. Identifiers: MedGen C0553586, MONDO:0008672, OMIM 193520.
Neurofibromatosis, familial spinal (FSNF). Identifiers: Orphanet 636, MedGen C1834235, MONDO:0008078, OMIM 162210. Disease mechanism: loss of function.
Juvenile myelomonocytic leukemia (JMML). Also called: LEUKEMIA, JUVENILE MYELOMONOCYTIC, SOMATIC. Identifiers: Orphanet 86834, MedGen C0349639, MONDO:0011908, OMIM 607785, HP:0012209.
Neurofibromatosis, type 1 (NF1). Also called: Peripheral type neurofibromatosis; NEUROFIBROMATOSIS, TYPE I, SOMATIC; Neurofibromatosis, type I; VON RECKLINGHAUSEN DISEASE. Identifiers: Orphanet 636, MedGen C0027831, MONDO:0018975, OMIM 162200. Disease mechanism: loss of function.

gnomAD v4.1: 2 of 1,538,730 alleles (0.00013%); highest among the groups gnomAD compares: South Asian, 0.0012%; no homozygotes.

Submissions (4):

Labcorp Genetics (formerly Invitae), Labcorp
Classification: Likely benign for Neurofibromatosis, type 1. Last evaluated: 2025-10-09. Review status: criteria provided, single submitter. Criteria: Invitae Variant Classification Sherloc (09022015). Collection method: clinical testing. Allele origin: germline.

Fulgent Genetics
Classification: Uncertain significance for Neurofibromatosis, type 1; Neurofibromatosis, familial spinal; Café-au-lait macules with pulmonary stenosis; Neurofibromatosis-Noonan syndrome; Juvenile myelomonocytic leukemia. Last evaluated: 2022-03-24. Review status: criteria provided, single submitter. Criteria: ACMG Guidelines, 2015. Collection method: clinical testing. Allele origin: unknown.

Genome-Nilou Lab
Classification: Uncertain significance for Neurofibromatosis, type 1. Last evaluated: 2022-03-15. Review status: criteria provided, single submitter. Criteria: ACMG Guidelines, 2015. Collection method: clinical testing. Allele origin: germline. Affected: no.

Ambry Genetics
Classification: Uncertain significance for Cardiovascular phenotype; Hereditary cancer-predisposing syndrome. Last evaluated: 2021-09-16. Review status: criteria provided, single submitter. Criteria: Ambry Variant Classification Scheme 2023. Collection method: clinical testing. Allele origin: germline.
Comment: The p.P6L variant (also known as c.17C>T), located in coding exon 1 of the NF1 gene, results from a C to T substitution at nucleotide position 17. The proline at codon 6 is replaced by leucine, an amino acid with similar properties. This amino acid position is well conserved in available vertebrate species. In addition, this alteration is predicted to be tolerated by in silico analysis. Since supporting evidence is limited at this time, the clinical significance of this alteration remains unclear.